The following is an entry in ClinVar:

ClinVar aggregate classification (germline): Uncertain significance (1 of 4 stars; one submission).

Conditions:
Cardiac arrhythmia. Also called: Cardiac rhythm disease; Arrhythmia. Identifiers: MedGen C0003811, MONDO:0007263, HP:0011675.

Allele frequency attached by ClinVar (database versions not stated): TOPMed below 0.00001; gnomAD 0.00001.
gnomAD v4.1: 1 of 1,613,954 alleles (0.000062%); highest among the groups gnomAD compares: African/African-American, 0.0013%; no homozygotes.

Submission:

Labcorp Genetics (formerly Invitae), Labcorp
Classification: Uncertain significance for Cardiac arrhythmia. Last evaluated: 2019-04-19. Review status: criteria provided, single submitter. Criteria: Invitae Variant Classification Sherloc (09022015). Collection method: clinical testing. Allele origin: germline.
Comment: Algorithms developed to predict the effect of missense changes on protein structure and function (SIFT, PolyPhen-2, Align-GVGD) all suggest that this variant is likely to be disruptive, but these predictions have not been confirmed by published functional studies and their clinical significance is uncertain. This sequence change replaces isoleucine with threonine at codon 48 of the RANGRF protein (p.Ile48Thr). The isoleucine residue is highly conserved and there is a moderate physicochemical difference between isoleucine and threonine. This variant is not present in population databases (ExAC no frequency). This variant has not been reported in the literature in individuals with RANGRF-related conditions. In summary, the available evidence is currently insufficient to determine the role of this variant in disease. Therefore, it has been classified as a Variant of Uncertain Significance.

NM_016492.5(RANGRF):c.143T>C (p.Ile48Thr)

Genes: RANGRF (RAN guanine nucleotide release factor; plus strand), SLC25A35 (solute carrier family 25 member 35; minus strand), LOC130060241 (ATAC-STARR-seq lymphoblastoid active region 11693; plus strand). Cytogenetic location: 17p13.1.
Variant type: single nucleotide variant.
Coding change: c.143T>C on transcript NM_016492.5 (MANE Select); coding-DNA position 143, T replaced by C.
Protein change: p.Ile48Thr; replaces isoleucine 48 with threonine.
Molecular consequence: missense variant. On other transcripts: 3 prime UTR variant (2), non-coding transcript variant (2), intron variant (1).
Genome position (GRCh38, 1-based): chr17:8,289,021, T>C. VCF-style: chr17-8289021-T-C. GRCh37 (hg19) VCF-style: chr17-8192339-T-C.
Other names: c.143T>C, p.Ile48Thr (NM_001177801.2, NM_001177802.2, NM_001330127.2); c.*462A>G (NM_001320872.2); c.*595A>G (NM_201520.3); c.*42+553A>G (NM_001320871.2); short protein forms I48T.
Identifiers: ClinVar variation 944744 (VCV000944744.11), dbSNP rs1322326186, ClinGen allele CA397994212.